The following is an entry in ClinVar:

NM_030665.4(RAI1):c.-148-7T>C

Gene: RAI1 (retinoic acid induced 1; plus strand). Cytogenetic location: 17p11.2.
Variant type: single nucleotide variant.
Coding change: c.-148-7T>C on transcript NM_030665.4 (MANE Select); 7 bases into the intron before 148 bases upstream of the start codon, T replaced by C.
Molecular consequence: intron variant.
Genome position (GRCh38, 1-based): chr17:17,724,021, T>C. VCF-style: chr17-17724021-T-C. GRCh37 (hg19) VCF-style: chr17-17627335-T-C.
Identifiers: ClinVar variation 3354485 (VCV003354485.1).

ClinVar aggregate classification (germline): Likely benign (0 of 4 stars; one submission).

Conditions:
RAI1-related disorder. Also called: RAI1-related condition.

Submission:

PreventionGenetics, part of Exact Sciences
Classification: Likely benign for RAI1-related condition. Last evaluated: 2024-04-30. Review status: no assertion criteria provided. Collection method: clinical testing. Allele origin: germline.
Comment: This variant is classified as likely benign based on ACMG/AMP sequence variant interpretation guidelines (Richards et al. 2015 PMID: 25741868, with internal and published modifications).